The following is an entry in ClinVar:

ClinVar aggregate classification (germline): Pathogenic/Likely pathogenic. Review status: criteria provided, multiple submitters, no conflicts (2 of 4 stars). 4 submissions from 4 submitters: Pathogenic (1); Likely pathogenic (2). 1 of the submissions does not count toward it. Last evaluated 2022-11-22.

Conditions:
RFX7-related disorder. Also called: RFX7-related condition.
Intellectual developmental disorder, autosomal dominant 71, with behavioral abnormalities (MRD71). Identifiers: MedGen C5830437, MONDO:0957228, OMIM 620330.

Submissions (4):

GeneDx
Classification: Pathogenic. Last evaluated: 2022-11-22. Review status: criteria provided, single submitter. Criteria: GeneDx Variant Classification Process June 2021. Collection method: clinical testing. Allele origin: germline. Affected: yes.
Comment: Not observed at significant frequency in large population cohorts (gnomAD); In silico analysis supports that this missense variant has a deleterious effect on protein structure/function; This variant is associated with the following publications: (PMID: 36334883)

Blueprint Genetics
Classification: Likely pathogenic for RFX7-related disorders. Last evaluated: 2021-09-06. Review status: criteria provided, single submitter. Criteria: ACMG Guidelines, 2015. Collection method: clinical testing. Allele origin: de novo. Affected: yes. Observed: 1 variant allele.

Medical Genetics Clinic, University of Alberta
Classification: Likely pathogenic. Review status: criteria provided, single submitter. Criteria: ACMG Guidelines, 2015. Collection method: clinical testing. Allele origin: de novo. Inheritance: Autosomal dominant inheritance. Affected: yes. Observed: 1 heterozygote.
Comment: This heterozygous missense variant in RFX7 c. 3082C>T, p.(Pro1028Ser) (NM_022841.7) occurred de novo and was predicted to be likely pathogenic.

OMIM
Classification: Pathogenic for INTELLECTUAL DEVELOPMENTAL DISORDER, AUTOSOMAL DOMINANT 71, WITH BEHAVIORAL ABNORMALITIES. Last evaluated: 2023-04-19. Review status: no assertion criteria provided. Collection method: literature only. Allele origin: germline. Not counted in ClinVar's aggregate classification.

Literature cited by the submitters: PubMed 33658631 (cited by Medical Genetics Clinic, University of Alberta); PubMed 33584783 (cited by Medical Genetics Clinic, University of Alberta); PubMed 36334883 (cited by OMIM).

NM_022841.7(RFX7):c.3082C>T (p.Pro1028Ser)

Gene: RFX7 (regulatory factor X7; minus strand). Cytogenetic location: 15q21.3.
Variant type: single nucleotide variant.
Coding change: c.3082C>T on transcript NM_022841.7 (MANE Select); coding-DNA position 3082, C replaced by T.
Protein change: p.Pro1028Ser; replaces proline 1028 with serine.
Molecular consequence: missense variant.
Genome position (GRCh38, 1-based): chr15:56,094,646, G>A on the plus strand (C>T on the coding strand, the complement: RFX7 is on the minus strand). VCF-style: chr15-56094646-G-A. GRCh37 (hg19) VCF-style: chr15-56386844-G-A.
Other names: c.2791C>T, p.Pro931Ser (NM_001368073.2, NM_001368074.1, NM_001370554.1); c.3082C>T, p.Pro1028Ser (NM_001370561.1); c.3082C>T (NM_022841.5); short protein forms P1028S, P931S.
Identifiers: ClinVar variation 1705979 (VCV001705979.6), dbSNP rs2504987146, ClinGen allele CA392577703.